The following is an entry in ClinVar:

ClinVar aggregate classification (germline): Uncertain significance. Review status: criteria provided, multiple submitters, no conflicts (2 of 4 stars). 2 submissions from 2 submitters: Uncertain significance (2). Last evaluated 2023-01-08.

Allele frequency attached by ClinVar (database versions not stated): gnomAD exomes below 0.00001; ExAC 0.00001.
gnomAD v4.1: 6 of 1,609,294 alleles (0.00037%); highest among the groups gnomAD compares: East Asian, 0.0022%; no homozygotes.

Submissions (2):

Labcorp Genetics (formerly Invitae), Labcorp
Classification: Uncertain significance. Last evaluated: 2023-01-08. Review status: criteria provided, single submitter. Criteria: Invitae Variant Classification Sherloc (09022015). Collection method: clinical testing. Allele origin: germline.
Comment: This sequence change affects codon 1058 of the SNRNP200 mRNA. It is a 'silent' change, meaning that it does not change the encoded amino acid sequence of the SNRNP200 protein. This variant also falls at the last nucleotide of exon 23, which is part of the consensus splice site for this exon. The frequency data for this variant in the population databases is considered unreliable, as metrics indicate poor data quality at this position in the gnomAD database. In summary, the available evidence is currently insufficient to determine the role of this variant in disease. Therefore, it has been classified as a Variant of Uncertain Significance. Variants that disrupt the consensus splice site are a relatively common cause of aberrant splicing (PMID: 17576681, 9536098). Algorithms developed to predict the effect of sequence changes on RNA splicing suggest that this variant is not likely to affect RNA splicing. This variant has not been reported in the literature in individuals affected with SNRNP200-related conditions.

Blueprint Genetics
Classification: Uncertain significance. Last evaluated: 2020-09-09. Review status: criteria provided, single submitter. Criteria: ACMG Guidelines, 2015. Collection method: clinical testing. Allele origin: germline.

Literature cited by the submitters: PubMed 17576681 (cited by Labcorp Genetics (formerly Invitae), Labcorp); PubMed 9536098 (cited by Labcorp Genetics (formerly Invitae), Labcorp).

NM_014014.5(SNRNP200):c.3174G>A (p.Lys1058=)

Gene: SNRNP200 (small nuclear ribonucleoprotein U5 subunit 200; minus strand). Cytogenetic location: 2q11.2.
Variant type: single nucleotide variant.
Coding change: c.3174G>A on transcript NM_014014.5 (MANE Select); coding-DNA position 3174, G replaced by A.
Protein change: p.Lys1058=; no amino-acid change (lysine 1058 retained).
Molecular consequence: synonymous variant.
Genome position (GRCh38, 1-based): chr2:96,289,037, C>T on the plus strand (G>A on the coding strand, the complement: SNRNP200 is on the minus strand). VCF-style: chr2-96289037-C-T. GRCh37 (hg19) VCF-style: chr2-96954775-C-T.
Identifiers: ClinVar variation 2731810 (VCV002731810.4), dbSNP rs757008306, ClinGen allele CA1778548.